The following is an entry in ClinVar:

ClinVar aggregate classification (germline): Uncertain significance. Review status: criteria provided, multiple submitters, no conflicts (2 of 4 stars). 3 submissions from 3 submitters: Uncertain significance (3). Last evaluated 2025-08-15.

Conditions:
Mitochondrial DNA depletion syndrome, encephalomyopathic form with methylmalonic aciduria (MTDPS5). Also called: Mitochondrial encephalomyopathy aminoacidopathy; Mitochondrial DNA depletion syndrome 5 (encephalomyopathic with or without methylmalonic aciduria); MITOCHONDRIAL DNA DEPLETION SYNDROME, ENCEPHALOMYOPATHIC FORM, WITH OR WITHOUT METHYLMALONIC ACIDURIA, AUTOSOMAL RECESSIVE, SUCLA2-RELATED; SUCLA2-Related Mitochondrial DNA Depletion Syndrome, Encephalomyopathic Form with Methylmalonic Aciduria. Identifiers: Orphanet 1933, MedGen C5980207, MONDO:0012791, OMIM 612073.

Allele frequency attached by ClinVar (database versions not stated): gnomAD exomes 0.00001; TOPMed 0.00001.
gnomAD v4.1: 19 of 1,613,936 alleles (0.0012%); highest among the groups gnomAD compares: African/African-American, 0.0053%; no homozygotes.

Submissions (3):

GeneDx
Classification: Uncertain significance. Last evaluated: 2025-08-15. Review status: criteria provided, single submitter. Criteria: GeneDx Variant Classification Process June 2021. Collection method: clinical testing. Allele origin: germline. Affected: yes.
Comment: Not observed at significant frequency in large population cohorts (gnomAD); In silico analysis supports that this missense variant has a deleterious effect on protein structure/function; Has not been previously published as pathogenic or benign to our knowledge

Labcorp Genetics (formerly Invitae), Labcorp
Classification: Uncertain significance for Mitochondrial DNA depletion syndrome, encephalomyopathic form with methylmalonic aciduria. Last evaluated: 2022-11-01. Review status: criteria provided, single submitter. Criteria: Invitae Variant Classification Sherloc (09022015). Collection method: clinical testing. Allele origin: germline.
Comment: In summary, the available evidence is currently insufficient to determine the role of this variant in disease. Therefore, it has been classified as a Variant of Uncertain Significance. Advanced modeling of protein sequence and biophysical properties (such as structural, functional, and spatial information, amino acid conservation, physicochemical variation, residue mobility, and thermodynamic stability) performed at Invitae indicates that this missense variant is expected to disrupt SUCLA2 protein function. ClinVar contains an entry for this variant (Variation ID: 882595). This variant has not been reported in the literature in individuals affected with SUCLA2-related conditions. This variant is present in population databases (no rsID available, gnomAD 0.007%). This sequence change replaces valine, which is neutral and non-polar, with glycine, which is neutral and non-polar, at codon 348 of the SUCLA2 protein (p.Val348Gly).

Illumina Laboratory Services, Illumina
Classification: Uncertain significance for Mitochondrial DNA depletion syndrome, encephalomyopathic form with methylmalonic aciduria. Last evaluated: 2018-01-13. Review status: criteria provided, single submitter. Criteria: ICSL Variant Classification Criteria 13 December 2019. Collection method: clinical testing. Allele origin: germline.

NM_003850.3(SUCLA2):c.1043T>G (p.Val348Gly)

Gene: SUCLA2 (succinate-CoA ligase ADP-forming subunit beta; minus strand). Cytogenetic location: 13q14.2.
Variant type: single nucleotide variant.
Coding change: c.1043T>G on transcript NM_003850.3 (MANE Select); coding-DNA position 1043, T replaced by G.
Protein change: p.Val348Gly; replaces valine 348 with glycine.
Molecular consequence: missense variant.
Genome position (GRCh38, 1-based): chr13:47,954,204, A>C on the plus strand (T>G on the coding strand, the complement: SUCLA2 is on the minus strand). VCF-style: chr13-47954204-A-C. GRCh37 (hg19) VCF-style: chr13-48528339-A-C.
Other names: short protein forms V348G.
Identifiers: ClinVar variation 882595 (VCV000882595.10), dbSNP rs1282208356, ClinGen allele CA388145284.
Genomic context (GRCh38, chr13:47,954,204, plus strand): 5'-TTATCTGAAGTGATAAGCTTAAATGCTTCTGTTACTTGATGGACTGTAGCACCACCACCA[A>C]CATCAAGGAAGTTGGCTGGAGTCCCTCCATGAAGTTTTATTATATCCATTGTGGCCATAG-3'
Protein context (NP_003841.1, residues 338-358): HGGTPANFLD[Val348Gly]GGGATVHQVT